The following is an entry in ClinVar:

NM_001365951.3(KIF1B):c.496T>G (p.Leu166Val)

Gene: KIF1B (kinesin family member 1B; plus strand). Cytogenetic location: 1p36.22.
Variant type: single nucleotide variant.
Coding change: c.496T>G on transcript NM_001365951.3 (MANE Select); coding-DNA position 496, T replaced by G.
Protein change: p.Leu166Val; replaces leucine 166 with valine.
Molecular consequence: missense variant.
Genome position (GRCh38, 1-based): chr1:10,267,446, T>G. VCF-style: chr1-10267446-T-G. GRCh37 (hg19) VCF-style: chr1-10327504-T-G.
Other names: c.496T>G, p.Leu166Val (NM_001365952.1, NM_001365953.1, NM_015074.3 and 1 more transcripts); short protein forms L166V.
Identifiers: ClinVar variation 2497129 (VCV002497129.2), dbSNP rs2521041940, ClinGen allele CA338329298.

ClinVar aggregate classification (germline): Uncertain significance (1 of 4 stars; one submission).

Submission:

Ambry Genetics
Classification: Uncertain significance. Last evaluated: 2022-11-15. Review status: criteria provided, single submitter. Criteria: Ambry Variant Classification Scheme 2023. Collection method: clinical testing. Allele origin: germline.
Comment: The p.L166V variant (also known as c.496T>G), located in coding exon 5 of the KIF1B gene, results from a T to G substitution at nucleotide position 496. The leucine at codon 166 is replaced by valine, an amino acid with highly similar properties. This amino acid position is conserved. In addition, this alteration is predicted to be deleterious by in silico analysis. Since supporting evidence is limited at this time, the clinical significance of this alteration remains unclear.